The following is an entry in ClinVar:

NM_018191.4(RCBTB1):c.731A>G (p.His244Arg)

Gene: RCBTB1 (RCC1 and BTB domain containing protein 1; minus strand). Cytogenetic location: 13q14.2.
Variant type: single nucleotide variant.
Coding change: c.731A>G on transcript NM_018191.4 (MANE Select); coding-DNA position 731, A replaced by G.
Protein change: p.His244Arg; replaces histidine 244 with arginine.
Molecular consequence: missense variant. On other transcripts: non-coding transcript variant (2).
Genome position (GRCh38, 1-based): chr13:49,551,449, T>C on the plus strand (A>G on the coding strand, the complement: RCBTB1 is on the minus strand). VCF-style: chr13-49551449-T-C. GRCh37 (hg19) VCF-style: chr13-50125585-T-C.
Other names: c.731A>G, p.His244Arg (NM_001352500.2, NM_001352501.2, NM_001352502.2 and 3 more transcripts); c.152A>G, p.His51Arg (NM_001352506.2); short protein forms H51R, H244R.
Identifiers: ClinVar variation 1923038 (VCV001923038.6), dbSNP rs141645569, ClinGen allele CA249365548.
Genomic context (GRCh38, chr13:49,551,449, plus strand): 5'-TGCCCATATGTGTTAGCTCCCCAGGCATACAGCAAGCCCTCATCTGTTAGTGCTAGAGTA[T>C]GTGCGTAACCGCAGACAATCTGCAAGTAAATTGAAACGGTTACCATTAGCAGGAAAACAG-3'
Protein context (NP_060661.3, residues 234-254): CVNQIVCGYA[His244Arg]TLALTDEGLL

ClinVar aggregate classification (germline): Uncertain significance. Review status: criteria provided, multiple submitters, no conflicts (2 of 4 stars). 2 submissions from 2 submitters: Uncertain significance (2). Last evaluated 2022-02-03.

Allele frequency attached by ClinVar (database versions not stated): gnomAD exomes below 0.00001; gnomAD 0.00001; TOPMed 0.00002; ESP Exome Variant Server 0.00008.
gnomAD v4.1: 8 of 1,614,020 alleles (0.0005%); highest among the groups gnomAD compares: Non-Finnish European, 0.00068%; no homozygotes.

Submissions (2):

Labcorp Genetics (formerly Invitae), Labcorp
Classification: Uncertain significance. Last evaluated: 2022-02-03. Review status: criteria provided, single submitter. Criteria: Invitae Variant Classification Sherloc (09022015). Collection method: clinical testing. Allele origin: germline.
Comment: In summary, the available evidence is currently insufficient to determine the role of this variant in disease. Therefore, it has been classified as a Variant of Uncertain Significance. Algorithms developed to predict the effect of missense changes on protein structure and function (SIFT, PolyPhen-2, Align-GVGD) all suggest that this variant is likely to be disruptive. This variant has not been reported in the literature in individuals affected with RCBTB1-related conditions. This variant is present in population databases (rs141645569, gnomAD 0.0009%). This sequence change replaces histidine, which is basic and polar, with arginine, which is basic and polar, at codon 244 of the RCBTB1 protein (p.His244Arg).

Blueprint Genetics
Classification: Uncertain significance. Last evaluated: 2019-10-16. Review status: criteria provided, single submitter. Criteria: ACMG Guidelines, 2015. Collection method: clinical testing. Allele origin: germline.